The following is an entry in ClinVar:

ClinVar aggregate classification (germline): Likely benign (1 of 4 stars; one submission).

Conditions:
EP300-related disorder. Also called: EP300-related condition; EP300-related disorders.

gnomAD v4.1: 1 of 1,614,184 alleles (0.000062%); highest among the groups gnomAD compares: Non-Finnish European, 0.000085%; no homozygotes.

Submission:

PreventionGenetics, part of Exact Sciences
Classification: Likely benign for EP300-related condition. Last evaluated: 2025-01-07. Review status: criteria provided, single submitter. Criteria: ACMG Guidelines, 2015. Collection method: clinical testing. Allele origin: germline.
Comment: This variant is classified as likely benign based on ACMG/AMP sequence variant interpretation guidelines (Richards et al. 2015 PMID: 25741868, with internal and published modifications).

NM_001429.4(EP300):c.5856C>A (p.Ile1952=)

Gene: EP300 (EP300 lysine acetyltransferase; plus strand). Cytogenetic location: 22q13.2.
Variant type: single nucleotide variant.
Coding change: c.5856C>A on transcript NM_001429.4 (MANE Select); coding-DNA position 5856, C replaced by A.
Protein change: p.Ile1952=; no amino-acid change (isoleucine 1952 retained).
Molecular consequence: synonymous variant.
Genome position (GRCh38, 1-based): chr22:41,177,567, C>A. VCF-style: chr22-41177567-C-A. GRCh37 (hg19) VCF-style: chr22-41573571-C-A.
Other names: c.5778C>A, p.Ile1926= (NM_001362843.2).
Identifiers: ClinVar variation 4987761 (VCV004987761.1).
Genomic context (GRCh38, chr22:41,177,567, plus strand): 5'-TCAGAGAGCAGCGGAGACGCAGCGCCAGATGGCCCACGTGCAAATTTTTCAAAGGCCAAT[C>A]CAACACCAGATGCCCCCGATGACTCCCATGGCCCCCATGGGTATGAACCCACCTCCCATG-3'
Protein context (NP_001420.2, residues 1942-1962): MAHVQIFQRP[Ile1952=]QHQMPPMTPM